The following is an entry in ClinVar:

ClinVar aggregate classification (germline): Likely pathogenic (1 of 4 stars; one submission).

Conditions:
Blepharophimosis - intellectual disability syndrome, SBBYS type (SBBYSS). Also called: Ohdo syndrome, SBBYS variant; SBBYSS syndrome; Say-Barber-Biesecker-Young-Simpson variant of Ohdo Syndrome; Say-Barber-Biesecker variant of Ohdo syndrome (SBBYSS); Say-Barber-Biesecker-Young-Simpson syndrome; Say-Barber-Biesecker Variant of Ohdo Syndrome. Identifiers: Orphanet 3047, MedGen C1863557, MONDO:0011365, OMIM 603736.
Genitopatellar syndrome (GTPTS). Also called: Genitopatellar syndrome (GPS); ABSENT PATELLAE, SCROTAL HYPOPLASIA, RENAL ANOMALIES, FACIAL DYSMORPHISM, AND MENTAL RETARDATION. Identifiers: Orphanet 85201, MedGen C1853566, MONDO:0011640, OMIM 606170.

Submission:

New York Genome Center
Classification: Likely pathogenic for Blepharophimosis - intellectual disability syndrome, SBBYS type; Genitopatellar syndrome. Last evaluated: 2024-09-11. Review status: criteria provided, single submitter. Criteria: NYGC Assertion Criteria 2020. Collection method: clinical testing. Allele origin: de novo. Affected: yes. Observed: 1 variant allele, 1 heterozygote.
Comment: The de novo heterozygous c.4560del variant in KAT6B has not previously been reported in the literature or variant repositories (ClinVar and HGMD) and is absent from the gnomAD v4.0.0 database, suggesting it is not a common benign variant in the populations represented in that database. The c.4560del variant in KAT6B islocated in exon 18 of this 18-exon gene, is predicted to alter the wild-type translational reading frame and incorporate a premature translation termination codon[p.(Ser1520ArgfsTer29)], which is expected to escape nonsense-mediated mRNA decay. Predicted loss-of-function variants in exon 18 as well as in upstream and downstream exons of KAT6B have been reported in the literature in individuals with KAT6B-related multiple congenital anomalies syndrome [PMID:34519438]. Based on available evidence this apparently de novo heterozygous c.4560del, p.(Ser1520ArgfsTer29) variant identified in KAT6B is classified as Likely Pathogenic.

NM_012330.4(KAT6B):c.4560del (p.Ser1520fs)

Gene: KAT6B (lysine acetyltransferase 6B; plus strand). Cytogenetic location: 10q22.2.
Variant type: Deletion.
Coding change: c.4560del on transcript NM_012330.4 (MANE Select); coding-DNA position 4560, one base deleted (C; older notation c.4560delC).
Protein change: p.Ser1520fs; shifts the reading frame from serine 1520.
Molecular consequence: frameshift variant.
Genome position (GRCh38, 1-based): chr10:75,029,384, C deleted. VCF-style (leftmost placement, unchanged base first): chr10-75029383-GC-G. GRCh37 (hg19) VCF-style: chr10-76789141-GC-G.
Other names: c.4011del, p.Ser1337fs (NM_001256468.2, NM_001370138.1); c.3684del, p.Ser1228fs (NM_001256469.2, NM_001370139.1, NM_001370140.1 and 2 more transcripts); c.3522del, p.Ser1174fs (NM_001370132.1); c.2871del, p.Ser957fs (NM_001370133.1); c.2475del, p.Ser825fs (NM_001370134.1); c.2217del, p.Ser739fs (NM_001370135.1); c.4560del, p.Ser1520fs (NM_001370136.1, NM_001370137.1); c.3495del, p.Ser1165fs (NM_001370143.1, NM_001370144.1); short protein forms S1165fs, S1174fs, S1228fs, S1337fs, S1520fs, S739fs, S825fs, S957fs.
Identifiers: ClinVar variation 4888385 (VCV004888385.1).